The following is an entry in ClinVar:

NM_001457.4(FLNB):c.3996A>C (p.Gln1332His)

Gene: FLNB (filamin B; plus strand). Cytogenetic location: 3p14.3.
Variant type: single nucleotide variant.
Coding change: c.3996A>C on transcript NM_001457.4 (MANE Select); coding-DNA position 3996, A replaced by C.
Protein change: p.Gln1332His; replaces glutamine 1332 with histidine.
Molecular consequence: missense variant.
Genome position (GRCh38, 1-based): chr3:58,125,678, A>C. VCF-style: chr3-58125678-A-C. GRCh37 (hg19) VCF-style: chr3-58111405-A-C.
Other names: c.3996A>C, p.Gln1332His (NM_001164317.2, NM_001164318.2, NM_001164319.2); short protein forms Q1332H.
Identifiers: ClinVar variation 3635727 (VCV003635727.2).

ClinVar aggregate classification (germline): Uncertain significance (1 of 4 stars; one submission).

Submission:

Labcorp Genetics (formerly Invitae), Labcorp
Classification: Uncertain significance. Last evaluated: 2024-04-25. Review status: criteria provided, single submitter. Criteria: Invitae Variant Classification Sherloc (09022015). Collection method: clinical testing. Allele origin: germline.
Comment: This sequence change replaces glutamine, which is neutral and polar, with histidine, which is basic and polar, at codon 1332 of the FLNB protein (p.Gln1332His). This variant is not present in population databases (gnomAD no frequency). This variant has not been reported in the literature in individuals affected with FLNB-related conditions. Advanced modeling of protein sequence and biophysical properties (such as structural, functional, and spatial information, amino acid conservation, physicochemical variation, residue mobility, and thermodynamic stability) performed at Invitae indicates that this missense variant is not expected to disrupt FLNB protein function with a negative predictive value of 95%. In summary, the available evidence is currently insufficient to determine the role of this variant in disease. Therefore, it has been classified as a Variant of Uncertain Significance.